The following is an entry in ClinVar:

ClinVar aggregate classification (germline): Benign/Likely benign. Review status: criteria provided, multiple submitters, no conflicts (2 of 4 stars). 5 submissions from 5 submitters: Benign (2); Likely benign (3). Last evaluated 2026-09-01.

Allele frequency attached by ClinVar (database versions not stated): 1000 Genomes Project 30x 0.00500; 1000 Genomes Project 0.00579; TOPMed 0.01184; gnomAD 0.01330; ESP Exome Variant Server 0.01615.
gnomAD v4.1: 29,925 of 1,613,996 alleles (1.9%); highest among the groups gnomAD compares: Non-Finnish European, 2.3%; 339 homozygotes.

Submissions (5):

CeGaT Center for Human Genetics Tuebingen
Classification: Benign. Last evaluated: 2026-09-01. Review status: criteria provided, single submitter. Criteria: CeGaT Center For Human Genetics Tuebingen Variant Classification Criteria Version 2. Collection method: clinical testing. Allele origin: germline. Affected: yes. Observed: 10 variant alleles.
Comment: VWF: BP4, BS1, BS2

Quest Diagnostics Nichols Institute San Juan Capistrano
Classification: Likely benign. Last evaluated: 2025-10-27. Review status: criteria provided, single submitter. Criteria: Quest Diagnostics criteria. Collection method: clinical testing. Allele origin: unknown.

ARUP Laboratories, Molecular Genetics and Genomics, ARUP Laboratories
Classification: Benign. Last evaluated: 2025-07-10. Review status: criteria provided, single submitter. Criteria: ARUP Molecular Germline Variant Investigation Process 2024. Collection method: clinical testing. Allele origin: germline.

Mayo Clinic Laboratories, Mayo Clinic
Classification: Likely benign. Last evaluated: 2024-12-06. Review status: criteria provided, single submitter. Criteria: ACMG Guidelines, 2015. Collection method: clinical testing. Allele origin: germline. Observed: 28 variant alleles.
Comment: BS2, BP4

Breakthrough Genomics
Classification: Likely benign. Review status: criteria provided, single submitter. Criteria: ACMG Guidelines, 2015. Collection method: not provided. Allele origin: germline. Inheritance: Autosomal recessive inheritance. Affected: yes.

Literature cited by the submitters: PubMed 26420797 (cited by Quest Diagnostics Nichols Institute San Juan Capistrano); PubMed 21534937 (cited by Quest Diagnostics Nichols Institute San Juan Capistrano); PubMed 37771821 (cited by Quest Diagnostics Nichols Institute San Juan Capistrano and Mayo Clinic Laboratories, Mayo Clinic); PubMed 33556167 (cited by Quest Diagnostics Nichols Institute San Juan Capistrano); PubMed 37017006 (cited by Quest Diagnostics Nichols Institute San Juan Capistrano); PubMed 32722784 (cited by Quest Diagnostics Nichols Institute San Juan Capistrano and Mayo Clinic Laboratories, Mayo Clinic).

NM_000552.5(VWF):c.6532G>T (p.Ala2178Ser)

Gene: VWF (von Willebrand factor; minus strand). Cytogenetic location: 12p13.31.
Variant type: single nucleotide variant.
Coding change: c.6532G>T on transcript NM_000552.5 (MANE Select); coding-DNA position 6532, G replaced by T.
Protein change: p.Ala2178Ser; replaces alanine 2178 with serine.
Molecular consequence: missense variant.
Genome position (GRCh38, 1-based): chr12:5,993,928, C>A on the plus strand (G>T on the coding strand, the complement: VWF is on the minus strand). VCF-style: chr12-5993928-C-A. GRCh37 (hg19) VCF-style: chr12-6103094-C-A.
Other names: p.Ala2178Ser; short protein forms A2178S.
Identifiers: ClinVar variation 619942 (VCV000619942.41), dbSNP rs34230288, ClinGen allele CA6401974.